The following is an entry in ClinVar:

NM_000321.3(RB1):c.2460A>T (p.Pro820=)

Gene: RB1 (RB transcriptional corepressor 1; plus strand). Cytogenetic location: 13q14.2.
Variant type: single nucleotide variant.
Coding change: c.2460A>T on transcript NM_000321.3 (MANE Select); coding-DNA position 2460, A replaced by T.
Protein change: p.Pro820=; no amino-acid change (proline 820 retained).
Molecular consequence: synonymous variant.
Genome position (GRCh38, 1-based): chr13:48,465,339, A>T. VCF-style: chr13-48465339-A-T. GRCh37 (hg19) VCF-style: chr13-49039475-A-T.
Identifiers: ClinVar variation 458150 (VCV000458150.9), dbSNP rs1555294628, ClinGen allele CA483740384.

ClinVar aggregate classification (germline): Benign/Likely benign. Review status: criteria provided, multiple submitters, no conflicts (2 of 4 stars). 2 submissions from 2 submitters: Benign (1); Likely benign (1). Last evaluated 2026-06-25.

Conditions:
Retinoblastoma (RB1). Also called: RETINOBLASTOMA, SOMATIC. Identifiers: Orphanet 790, MedGen C0035335, MeSH D012175, MONDO:0008380, OMIM 180200, HP:0009919. Disease mechanism: loss of function. Inheritance: Both sporadic and heritable forms are tested..

Submissions (2):

Myriad Genetics, Inc.
Classification: Benign for Retinoblastoma. Last evaluated: 2026-06-25. Review status: criteria provided, single submitter. Criteria: Myriad Autosomal Dominant, Autosomal Recessive and X-Linked Classification Criteria (2023). Collection method: clinical testing. Allele origin: unknown.
Comment: This variant is considered benign. This variant is a silent/synonymous amino acid change and it is not expected to impact splicing.

Labcorp Genetics (formerly Invitae), Labcorp
Classification: Likely benign for Retinoblastoma. Last evaluated: 2017-02-01. Review status: criteria provided, single submitter. Criteria: Invitae Variant Classification Sherloc (09022015). Collection method: clinical testing. Allele origin: germline.